The following is an entry in ClinVar:

ClinVar aggregate classification (germline): Conflicting classifications of pathogenicity. Review status: criteria provided, conflicting classifications (1 of 4 stars). 4 submissions from 4 submitters: Uncertain significance (2); Likely benign (2). Last evaluated 2026-09-21.

Conditions:
Cardiovascular phenotype. Identifiers: MedGen CN230736.

Allele frequency attached by ClinVar (database versions not stated): gnomAD 0.00007 and 0.00009; ESP Exome Variant Server 0.00008; TOPMed 0.00009; ExAC 0.00001; gnomAD exomes 0.00001.
gnomAD v4.1: 26 of 1,613,014 alleles (0.0016%); highest among the groups gnomAD compares: African/African-American, 0.029%; no homozygotes.

Submissions (4):

Molecular Diagnostic Laboratory for Inherited Cardiovascular Disease, Montreal Heart Institute
Classification: Likely benign. Last evaluated: 2026-09-21. Review status: criteria provided, single submitter. Criteria: ACMG Guidelines, 2015. Collection method: clinical testing. Allele origin: germline. Affected: no.
Comment: BP1

Women's Health and Genetics/Laboratory Corporation of America, LabCorp
Classification: Uncertain significance. Last evaluated: 2025-06-13. Review status: criteria provided, single submitter. Criteria: LabCorp Variant Classification Summary - May 2015. Collection method: clinical testing. Allele origin: germline.
Comment: Variant summary: TTN c.45740T>C (p.Ile15247Thr) results in a non-conservative amino acid change in the encoded protein sequence. Algorithms developed to predict the effect of missense changes on protein structure and function are either unavailable or do not agree on the potential impact of this missense change. The variant allele was found at a frequency of 1.2e-05 in 248432 control chromosomes. The available data on variant occurrences in the general population are insufficient to allow any conclusion about variant significance. To our knowledge, no occurrence of c.45740T>C in individuals affected with Dilated Cardiomyopathy and no experimental evidence demonstrating its impact on protein function have been reported. ClinVar contains an entry for this variant (Variation ID: 1321353). Based on the evidence outlined above, the variant was classified as uncertain significance.

Revvity Omics, Revvity
Classification: Uncertain significance. Last evaluated: 2022-11-09. Review status: criteria provided, single submitter. Criteria: ACMG Guidelines, 2015. Collection method: clinical testing. Allele origin: germline.

Ambry Genetics
Classification: Likely benign for Cardiovascular phenotype. Last evaluated: 2020-07-20. Review status: criteria provided, single submitter. Criteria: Ambry Variant Classification Scheme 2023. Collection method: clinical testing. Allele origin: germline.

NM_001267550.2(TTN):c.53444T>C (p.Ile17815Thr)

Genes: TTN (titin; minus strand), TTN-AS1 (TTN antisense RNA 1; plus strand). Cytogenetic location: 2q31.2.
Variant type: single nucleotide variant.
Coding change: c.53444T>C on transcript NM_001267550.2 (MANE Select); coding-DNA position 53444, T replaced by C.
Protein change: p.Ile17815Thr; replaces isoleucine 17815 with threonine.
Molecular consequence: missense variant.
Genome position (GRCh38, 1-based): chr2:178,607,158, A>G on the plus strand (T>C on the coding strand, the complement: TTN is on the minus strand). VCF-style: chr2-178607158-A-G. GRCh37 (hg19) VCF-style: chr2-179471885-A-G.
Other names: c.45740T>C, p.Ile15247Thr (NM_133378.4); c.26624T>C, p.Ile8875Thr (NM_133432.3); c.26825T>C, p.Ile8942Thr (NM_133437.4); c.48521T>C, p.Ile16174Thr (NM_001256850.1); c.26249T>C, p.Ile8750Thr (NM_003319.4); short protein forms I15247T, I16174T, I17815T, I8750T, I8875T, I8942T.
Identifiers: ClinVar variation 1321353 (VCV001321353.8), dbSNP rs374563054, ClinGen allele CA1993809.